The following is an entry in ClinVar:

ClinVar aggregate classification (germline): Uncertain significance (1 of 4 stars; one submission).

Allele frequency attached by ClinVar (database versions not stated): gnomAD exomes below 0.00001; TOPMed below 0.00001; ExAC 0.00001.

Submission:

Labcorp Genetics (formerly Invitae), Labcorp
Classification: Uncertain significance. Last evaluated: 2022-07-05. Review status: criteria provided, single submitter. Criteria: Invitae Variant Classification Sherloc (09022015). Collection method: clinical testing. Allele origin: germline.
Comment: This sequence change replaces glutamic acid, which is acidic and polar, with lysine, which is basic and polar, at codon 282 of the SLC39A7 protein (p.Glu282Lys). This variant has not been reported in the literature in individuals affected with SLC39A7-related conditions. This variant is present in population databases (rs780234206, gnomAD 0.003%). ClinVar contains an entry for this variant (Variation ID: 1515036). In summary, the available evidence is currently insufficient to determine the role of this variant in disease. Therefore, it has been classified as a Variant of Uncertain Significance. Algorithms developed to predict the effect of missense changes on protein structure and function (SIFT, PolyPhen-2, Align-GVGD) all suggest that this variant is likely to be tolerated.

NM_006979.3(SLC39A7):c.844G>A (p.Glu282Lys)

Gene: SLC39A7 (solute carrier family 39 member 7; plus strand). Cytogenetic location: 6p21.32.
Variant type: single nucleotide variant.
Coding change: c.844G>A on transcript NM_006979.3 (MANE Select); coding-DNA position 844, G replaced by A.
Protein change: p.Glu282Lys; replaces glutamic acid 282 with lysine.
Molecular consequence: missense variant.
Genome position (GRCh38, 1-based): chr6:33,202,604, G>A. VCF-style: chr6-33202604-G-A. GRCh37 (hg19) VCF-style: chr6-33170381-G-A.
Other names: c.844G>A, p.Glu282Lys (NM_001077516.2); c.469G>A, p.Glu157Lys (NM_001288777.2); short protein forms E282K, E157K.
Identifiers: ClinVar variation 1515036 (VCV001515036.6), dbSNP rs780234206, ClinGen allele CA3752373.